The following is an entry in ClinVar:

NC_000007.13:g.(?_69583098)_(69583239_?)del

Gene: AUTS2 (activator of transcription and developmental regulator AUTS2; plus strand). Cytogenetic location: 7q11.22.
Variant type: Deletion.
Identifiers: ClinVar variation 2426188 (VCV002426188.4).

ClinVar aggregate classification (germline): Uncertain significance (1 of 4 stars; one submission).

Submission:

Labcorp Genetics (formerly Invitae), Labcorp
Classification: Uncertain significance. Last evaluated: 2022-09-09. Review status: criteria provided, single submitter. Criteria: Invitae Variant Classification Sherloc (09022015). Collection method: clinical testing. Allele origin: germline.
Comment: In summary, the available evidence is currently insufficient to determine the role of this variant in disease. Therefore, it has been classified as a Variant of Uncertain Significance. Experimental studies and prediction algorithms are not available or were not evaluated, and the functional significance of this variant is currently unknown. This variant has not been reported in the literature in individuals affected with AUTS2-related conditions. This variant is a gross deletion of the genomic region encompassing exon(s) 3 of the AUTS2 gene. This variant would be expected to be in-frame, preserving the integrity of the reading frame.